The following is an entry in ClinVar:

ClinVar aggregate classification (germline): Uncertain significance (1 of 4 stars; one submission).

Conditions:
Inborn genetic diseases. Identifiers: MedGen C0950123, MeSH D030342.

gnomAD v4.1: 2 of 1,614,006 alleles (0.00012%); highest among the groups gnomAD compares: Non-Finnish European, 0.000085%; no homozygotes.

Submission:

Ambry Genetics
Classification: Uncertain significance for Inborn genetic diseases. Last evaluated: 2025-04-24. Review status: criteria provided, single submitter. Criteria: Ambry Variant Classification Scheme 2023. Collection method: clinical testing. Allele origin: germline.
Comment: The p.N255S variant (also known as c.764A>G), located in coding exon 7 of the BUB1B gene, results from an A to G substitution at nucleotide position 764. The asparagine at codon 255 is replaced by serine, an amino acid with highly similar properties. This amino acid position is conserved. In addition, this alteration is predicted to be tolerated by in silico analysis. Based on the available evidence, the clinical significance of this variant remains unclear.

NM_001211.6(BUB1B):c.764A>G (p.Asn255Ser)

Gene: BUB1B (BUB1 mitotic checkpoint serine/threonine kinase B; plus strand). Cytogenetic location: 15q15.1.
Variant type: single nucleotide variant.
Coding change: c.764A>G on transcript NM_001211.6 (MANE Select); coding-DNA position 764, A replaced by G.
Protein change: p.Asn255Ser; replaces asparagine 255 with serine.
Molecular consequence: missense variant.
Genome position (GRCh38, 1-based): chr15:40,185,177, A>G. VCF-style: chr15-40185177-A-G. GRCh37 (hg19) VCF-style: chr15-40477378-A-G.
Other names: short protein forms N255S.
Identifiers: ClinVar variation 3993712 (VCV003993712.1).